The following is an entry in ClinVar:

NM_000059.4(BRCA2):c.2754del (p.Asn918fs)

Gene: BRCA2 (BRCA2 DNA repair associated; plus strand). Cytogenetic location: 13q13.1.
Variant type: Deletion.
Coding change: c.2754del on transcript NM_000059.4 (MANE Select); coding-DNA position 2754, one base deleted (C; older notation c.2754delC).
Protein change: p.Asn918fs; shifts the reading frame from asparagine 918.
Molecular consequence: frameshift variant.
Genome position (GRCh38, 1-based): chr13:32,337,109, C deleted. VCF-style (leftmost placement, unchanged base first): chr13-32337108-AC-A. GRCh37 (hg19) VCF-style: chr13-32911245-AC-A.
Other names: c.2754delC (NM_000059.3); short protein forms N918fs.
Identifiers: ClinVar variation 430600 (VCV000430600.3), dbSNP rs1555282830, ClinGen allele CA645509341.

ClinVar aggregate classification (germline): Pathogenic. Review status: reviewed by expert panel (3 of 4 stars). 2 submissions from 2 submitters: Pathogenic (1). 1 of the submissions does not count toward it. Last evaluated 2017-12-15.

Conditions:
Breast-ovarian cancer, familial, susceptibility to, 2 (BROVCA2). Also called: BRCA2 Hereditary Breast and Ovarian Cancer. Identifiers: Orphanet 145, MedGen C2675520, MONDO:0012933, OMIM 612555. Disease mechanism: loss of function.
Breast neoplasm. Also called: Breast Neoplasms; Neoplasm of the breast; Neoplasm of breast; Breast tumor. Identifiers: MedGen C1458155, MeSH D001943, MONDO:0021100, HP:0100013. Disease mechanism: gain of function.

Submissions (2):

Evidence-based Network for the Interpretation of Germline Mutant Alleles (ENIGMA)
Classification: Pathogenic for Breast-ovarian cancer, familial, susceptibility to, 2. Last evaluated: 2017-12-15. Review status: reviewed by expert panel. Criteria: ENIGMA BRCA1/2 Classification Criteria (2017-06-29). Collection method: curation. Allele origin: germline. Study: ENIGMA.
Comment: Variant allele predicted to encode a truncated non-functional protein.

Yang An-Suei Laboratory, Academia Sinica
Classification: Pathogenic for breast cancer. Review status: criteria provided, single submitter. Criteria: Submitter's publication. Collection method: clinical testing. Allele origin: germline. Affected: yes. Not counted in ClinVar's aggregate classification.